The following is an entry in ClinVar:

ClinVar aggregate classification (germline): Uncertain significance (1 of 4 stars; one submission).

Conditions:
Hereditary cancer-predisposing syndrome. Also called: Neoplastic Syndromes, Hereditary; Tumor predisposition; Hereditary Cancer Syndrome; Hereditary neoplastic syndrome. Identifiers: Orphanet 140162, MedGen C0027672, MeSH D009386, MONDO:0015356.

Submission:

Color Diagnostics, LLC DBA Color Health
Classification: Uncertain significance for Hereditary cancer-predisposing syndrome. Last evaluated: 2023-10-31. Review status: criteria provided, single submitter. Criteria: ACMG Guidelines, 2015. Collection method: clinical testing. Allele origin: germline.
Comment: This missense variant replaces aspartic acid with asparagine at codon 932 of the ATM protein. Computational prediction suggests that this variant may not impact protein structure and function (internally defined REVEL score threshold <= 0.5, PMID: 27666373). To our knowledge, functional studies have not been reported for this variant. This variant has not been reported in individuals affected with ATM-related disorders in the literature. This variant has not been identified in the general population by the Genome Aggregation Database (gnomAD). The available evidence is insufficient to determine the role of this variant in disease conclusively. Therefore, this variant is classified as a Variant of Uncertain Significance.

NM_000051.4(ATM):c.2794G>A (p.Asp932Asn)

Gene: ATM (ATM serine/threonine kinase; plus strand). Cytogenetic location: 11q22.3.
Variant type: single nucleotide variant.
Coding change: c.2794G>A on transcript NM_000051.4 (MANE Select); coding-DNA position 2794, G replaced by A.
Protein change: p.Asp932Asn; replaces aspartic acid 932 with asparagine.
Molecular consequence: missense variant.
Genome position (GRCh38, 1-based): chr11:108,268,565, G>A. VCF-style: chr11-108268565-G-A. GRCh37 (hg19) VCF-style: chr11-108139292-G-A.
Other names: c.2794G>A, p.Asp932Asn (NM_001351834.2); short protein forms D932N.
Identifiers: ClinVar variation 2774397 (VCV002774397.2), dbSNP rs2135526349, ClinGen allele CA382545634.